The following is an entry in ClinVar:

ClinVar aggregate classification (germline): Uncertain significance (1 of 4 stars; one submission).

Allele frequency attached by ClinVar (database versions not stated): TOPMed below 0.00001 and 0.00002; gnomAD 0.00001; ExAC 0.00003; gnomAD exomes 0.00004.
gnomAD v4.1: 49 of 1,613,768 alleles (0.003%); highest among the groups gnomAD compares: South Asian, 0.037%; 1 homozygote.

Submission:

GeneDx
Classification: Uncertain significance. Last evaluated: 2016-02-01. Review status: criteria provided, single submitter. Criteria: GeneDx Variant Classification (06012015). Collection method: clinical testing. Allele origin: germline. Affected: yes.
Comment: The E1456K variant in the CCDC88C gene has not been reported previously as a pathogenic variant, nor as a benign variant, to our knowledge. The E1456K variant was not observed in approximately 6,000 individuals of European and African American ancestry in the NHLBI Exome Sequencing Project, indicating it is not a common benign variant in these populations. The E1456K variant is a non-conservative amino acid substitution, which is likely to impact secondary protein structure as these residues differ in polarity, charge, size and/or other properties. This substitution occurs at a position that is conserved across species. In silico analysis is inconsistent in its predictions as to whether or not the variant is damaging to the protein structure/function. We interpret E1456K as a variant of uncertain significance.

NM_001080414.4(CCDC88C):c.4366G>A (p.Glu1456Lys)

Gene: CCDC88C (coiled-coil domain containing 88C; minus strand). Cytogenetic location: 14q32.11.
Variant type: single nucleotide variant.
Coding change: c.4366G>A on transcript NM_001080414.4 (MANE Select); coding-DNA position 4366, G replaced by A.
Protein change: p.Glu1456Lys; replaces glutamic acid 1456 with lysine.
Molecular consequence: missense variant.
Genome position (GRCh38, 1-based): chr14:91,289,180, C>T on the plus strand (G>A on the coding strand, the complement: CCDC88C is on the minus strand). VCF-style: chr14-91289180-C-T. GRCh37 (hg19) VCF-style: chr14-91755524-C-T.
Other names: short protein forms E1456K.
Identifiers: ClinVar variation 420459 (VCV000420459.2), dbSNP rs781760635, ClinGen allele CA7309033.